The following is an entry in ClinVar:

ClinVar aggregate classification (germline): Uncertain significance (1 of 4 stars; one submission).

Conditions:
Hereditary cancer-predisposing syndrome. Also called: Neoplastic Syndromes, Hereditary; Tumor predisposition; Hereditary Cancer Syndrome; Hereditary neoplastic syndrome. Identifiers: Orphanet 140162, MedGen C0027672, MeSH D009386, MONDO:0015356.

Submission:

Ambry Genetics
Classification: Uncertain significance for Hereditary cancer-predisposing syndrome. Last evaluated: 2025-09-25. Review status: criteria provided, single submitter. Criteria: Ambry Variant Classification Scheme 2023. Collection method: clinical testing. Allele origin: germline.
Comment: The p.K687E variant (also known as c.2059A>G), located in coding exon 14 of the MSH3 gene, results from an A to G substitution at nucleotide position 2059. The lysine at codon 687 is replaced by glutamic acid, an amino acid with similar properties. This amino acid position is conserved. In addition, this alteration is predicted to be tolerated by in silico analysis. Based on the available evidence, the clinical significance of this variant remains unclear.

NM_002439.5(MSH3):c.2059A>G (p.Lys687Glu)

Gene: MSH3 (mutS homolog 3; plus strand). Cytogenetic location: 5q14.1.
Variant type: single nucleotide variant.
Coding change: c.2059A>G on transcript NM_002439.5 (MANE Select); coding-DNA position 2059, A replaced by G.
Protein change: p.Lys687Glu; replaces lysine 687 with glutamic acid.
Molecular consequence: missense variant.
Genome position (GRCh38, 1-based): chr5:80,768,095, A>G. VCF-style: chr5-80768095-A-G. GRCh37 (hg19) VCF-style: chr5-80063914-A-G.
Other names: short protein forms K687E.
Identifiers: ClinVar variation 1785174 (VCV001785174.3), dbSNP rs2546773732, ClinGen allele CA360277925.